The following is an entry in ClinVar:

NM_003200.5(TCF3):c.1649G>A (p.Arg550His)

Gene: TCF3 (transcription factor 3; minus strand). Cytogenetic location: 19p13.3.
Variant type: single nucleotide variant.
Coding change: c.1649G>A on transcript NM_003200.5 (MANE Select); coding-DNA position 1649, G replaced by A.
Protein change: p.Arg550His; replaces arginine 550 with histidine.
Molecular consequence: missense variant. On other transcripts: intron variant (2).
Genome position (GRCh38, 1-based): chr19:1,615,458, C>T on the plus strand (G>A on the coding strand, the complement: TCF3 is on the minus strand). VCF-style: chr19-1615458-C-T. GRCh37 (hg19) VCF-style: chr19-1615457-C-T.
Other names: c.1646G>A, p.Arg549His (NM_001351778.2); c.1586+228G>A (NM_001136139.4, NM_001351779.2); short protein forms R549H, R550H.
Identifiers: ClinVar variation 2979488 (VCV002979488.3), dbSNP rs1218052775, ClinGen allele CA403050757.

ClinVar aggregate classification (germline): Uncertain significance (1 of 4 stars; one submission).

gnomAD v4.1: 7 of 1,612,822 alleles (0.00043%); highest among the groups gnomAD compares: East Asian, 0.0022%; no homozygotes.

Submission:

Labcorp Genetics (formerly Invitae), Labcorp
Classification: Uncertain significance. Last evaluated: 2025-08-11. Review status: criteria provided, single submitter. Criteria: Invitae Variant Classification Sherloc (09022015). Collection method: clinical testing. Allele origin: germline.
Comment: This sequence change replaces arginine, which is basic and polar, with histidine, which is basic and polar, at codon 550 of the TCF3 protein (p.Arg550His). This variant is present in population databases (no rsID available, gnomAD 0.0009%). This variant has not been reported in the literature in individuals affected with TCF3-related conditions. ClinVar contains an entry for this variant (Variation ID: 2979488). Invitae Evidence Modeling of protein sequence and biophysical properties (such as structural, functional, and spatial information, amino acid conservation, physicochemical variation, residue mobility, and thermodynamic stability) indicates that this missense variant is expected to disrupt TCF3 protein function with a positive predictive value of 80%. In summary, the available evidence is currently insufficient to determine the role of this variant in disease. Therefore, it has been classified as a Variant of Uncertain Significance.